The following is an entry in ClinVar:

NM_145691.4(ATPAF2):c.748A>T (p.Asn250Tyr)

Gene: ATPAF2 (ATP synthase mitochondrial F1 complex assembly factor 2; minus strand). Cytogenetic location: 17p11.2.
Variant type: single nucleotide variant.
Coding change: c.748A>T on transcript NM_145691.4 (MANE Select); coding-DNA position 748, A replaced by T.
Protein change: p.Asn250Tyr; replaces asparagine 250 with tyrosine.
Molecular consequence: missense variant.
Genome position (GRCh38, 1-based): chr17:18,018,671, T>A on the plus strand (A>T on the coding strand, the complement: ATPAF2 is on the minus strand). VCF-style: chr17-18018671-T-A. GRCh37 (hg19) VCF-style: chr17-17921985-T-A.
Other names: short protein forms N250Y.
Identifiers: ClinVar variation 4795598 (VCV004795598.1).
Genomic context (GRCh38, chr17:18,018,671, plus strand): 5'-TGCCGGCGGCGGTGCGGGCCCGCAGCTCCTGCAGCTCATAGTCATGGGCCCACTCAATGT[T>A]GCCCCACTTCTGGATCTGAGGGAAGGACAAGACAAGTTGCTGGGTGAGTGGCCAGTGCCT-3'
Protein context (NP_663729.1, residues 240-260): EEEYQIQKWG[Asn250Tyr]IEWAHDYELQ

ClinVar aggregate classification (germline): Uncertain significance (1 of 4 stars; one submission).

gnomAD v4.1: 3 of 1,613,910 alleles (0.00019%); highest among the groups gnomAD compares: African/African-American, 0.004%; no homozygotes.

Submission:

GeneDx
Classification: Uncertain significance. Last evaluated: 2025-08-14. Review status: criteria provided, single submitter. Criteria: GeneDx Variant Classification Process June 2021. Collection method: clinical testing. Allele origin: germline. Affected: yes.
Comment: Not observed at significant frequency in large population cohorts (gnomAD); In silico analysis supports that this missense variant has a deleterious effect on protein structure/function; Has not been previously published as pathogenic or benign to our knowledge